The following is an entry in ClinVar:

NM_201384.3(PLEC):c.7211A>G (p.Gln2404Arg)

Gene: PLEC (plectin; minus strand). Cytogenetic location: 8q24.3.
Variant type: single nucleotide variant.
Coding change: c.7211A>G on transcript NM_201384.3 (MANE Select); coding-DNA position 7211, A replaced by G.
Protein change: p.Gln2404Arg; replaces glutamine 2404 with arginine.
Molecular consequence: missense variant. On other transcripts: intron variant (1).
Genome position (GRCh38, 1-based): chr8:143,922,718, T>C on the plus strand (A>G on the coding strand, the complement: PLEC is on the minus strand). VCF-style: chr8-143922718-T-C. GRCh37 (hg19) VCF-style: chr8-144996886-T-C.
Other names: c.7292A>G, p.Gln2431Arg (NM_000445.5); c.7169A>G, p.Gln2390Arg (NM_201378.4); c.7145A>G, p.Gln2382Arg (NM_201379.3); c.7622A>G, p.Gln2541Arg (NM_201380.4); c.7115A>G, p.Gln2372Arg (NM_201381.3); c.7211A>G, p.Gln2404Arg (NM_201382.4); c.7223A>G, p.Gln2408Arg (NM_201383.3); c.4126-323A>G (NM_001410941.1); short protein forms Q2372R, Q2382R, Q2404R, Q2541R, Q2390R, Q2408R, Q2431R.
Identifiers: ClinVar variation 2923396 (VCV002923396.3), dbSNP rs1554690253, ClinGen allele CA372528957.

ClinVar aggregate classification (germline): Uncertain significance (1 of 4 stars; one submission).

Conditions:
Epidermolysis bullosa simplex with nail dystrophy (EBS5D). Identifiers: MedGen C4225309, MONDO:0014661, OMIM 616487.
Epidermolysis bullosa simplex, Ogna type (EBS5A). Also called: EPIDERMOLYSIS BULLOSA SIMPLEX 5A, OGNA TYPE; Pidermolysis bullosa simplex 5A, Ogna type. Identifiers: Orphanet 79401, MedGen C0432317, MONDO:0007555, OMIM 131950.
Epidermolysis bullosa simplex 5C, with pyloric atresia (EBS5C). Also called: PLEC1-Related Epidermolysis Bullosa with Pyloric Atresia; PLEC-Related Epidermolysis Bullosa with Pyloric Atresia; Epidermolysis bullosa simplex with pyloric atresia. Identifiers: Orphanet 158684, MedGen C2677349, MONDO:0012807, OMIM 612138.
Autosomal recessive limb-girdle muscular dystrophy type 2Q (LGMDR17). Also called: MUSCULAR DYSTROPHY, LIMB-GIRDLE, AUTOSOMAL RECESSIVE 17. Identifiers: Orphanet 254361, MedGen C3150989, MONDO:0013390, OMIM 613723.
Epidermolysis bullosa simplex 5B, with muscular dystrophy (EBS5B). Also called: EPIDERMOLYSIS BULLOSA SIMPLEX AND LIMB-GIRDLE MUSCULAR DYSTROPHY; Epidermolysis bullosa simplex with muscular dystrophy. Identifiers: Orphanet 257, MedGen C2931072, MONDO:0009181, OMIM 226670.

Allele frequency attached by ClinVar (database versions not stated): TOPMed below 0.00001; gnomAD 0.00001.
gnomAD v4.1: 4 of 1,612,062 alleles (0.00025%); highest among the groups gnomAD compares: Admixed American, 0.0067%; no homozygotes.

Submission:

Labcorp Genetics (formerly Invitae), Labcorp
Classification: Uncertain significance for Autosomal recessive limb-girdle muscular dystrophy type 2Q; Epidermolysis bullosa simplex, Ogna type; Epidermolysis bullosa simplex with nail dystrophy; Epidermolysis bullosa simplex 5C, with pyloric atresia; Epidermolysis bullosa simplex 5B, with muscular dystrophy. Last evaluated: 2023-04-23. Review status: criteria provided, single submitter. Criteria: Invitae Variant Classification Sherloc (09022015). Collection method: clinical testing. Allele origin: germline.
Comment: In summary, the available evidence is currently insufficient to determine the role of this variant in disease. Therefore, it has been classified as a Variant of Uncertain Significance. Algorithms developed to predict the effect of missense changes on protein structure and function output the following: SIFT: "Not Available"; PolyPhen-2: "Benign"; Align-GVGD: "Not Available". The arginine amino acid residue is found in multiple mammalian species, which suggests that this missense change does not adversely affect protein function. This variant has not been reported in the literature in individuals affected with PLEC-related conditions. This variant is present in population databases (no rsID available, gnomAD 0.009%). This sequence change replaces glutamine, which is neutral and polar, with arginine, which is basic and polar, at codon 2431 of the PLEC protein (p.Gln2431Arg).